The following is an entry in ClinVar:

NM_004360.5(CDH1):c.894C>A (p.Ala298=)

Gene: CDH1 (cadherin 1; plus strand). Cytogenetic location: 16q22.1.
Variant type: single nucleotide variant.
Coding change: c.894C>A on transcript NM_004360.5 (MANE Select); coding-DNA position 894, C replaced by A.
Protein change: p.Ala298=; no amino-acid change (alanine 298 retained).
Molecular consequence: synonymous variant. On other transcripts: 5 prime UTR variant (2).
Genome position (GRCh38, 1-based): chr16:68,811,745, C>A. VCF-style: chr16-68811745-C-A. GRCh37 (hg19) VCF-style: chr16-68845648-C-A.
Other names: c.894C>A, p.Ala298= (NM_001317184.2); c.-722C>A (NM_001317185.2); c.-926C>A (NM_001317186.2).
Identifiers: ClinVar variation 993185 (VCV000993185.7), dbSNP rs139110184, ClinGen allele CA496152873.

ClinVar aggregate classification (germline): Conflicting classifications of pathogenicity. Review status: criteria provided, conflicting classifications (1 of 4 stars). 3 submissions from 3 submitters: Uncertain significance (1); Benign (1); Likely benign (1). Last evaluated 2024-09-16.

Conditions:
Hereditary diffuse gastric adenocarcinoma (HDGC). Also called: DIFFUSE GASTRIC AND LOBULAR BREAST CANCER SYNDROME. Identifiers: Orphanet 26106, MedGen C1708349, MONDO:0007648, OMIM 137215.

Submissions (3):

Myriad Genetics, Inc.
Classification: Benign for Hereditary diffuse gastric adenocarcinoma. Last evaluated: 2024-09-16. Review status: criteria provided, single submitter. Criteria: Myriad Autosomal Dominant, Autosomal Recessive and X-Linked Classification Criteria (2023). Collection method: clinical testing. Allele origin: unknown.
Comment: This variant is considered benign. This variant is a silent/synonymous amino acid change and it is not expected to impact splicing.

Labcorp Genetics (formerly Invitae), Labcorp
Classification: Likely benign for Hereditary diffuse gastric adenocarcinoma. Last evaluated: 2024-04-02. Review status: criteria provided, single submitter. Criteria: Invitae Variant Classification Sherloc (09022015). Collection method: clinical testing. Allele origin: germline.

Quest Diagnostics Nichols Institute San Juan Capistrano
Classification: Uncertain significance. Last evaluated: 2019-11-26. Review status: criteria provided, single submitter. Criteria: Quest Diagnostics criteria. Collection method: clinical testing. Allele origin: unknown.